The following is an entry in ClinVar:

ClinVar aggregate classification (germline): Uncertain significance (1 of 4 stars; one submission).

Conditions:
MELAS syndrome (MELAS). Also called: Juvenile myopathy, encephalopathy, lactic acidosis, stroke. Identifiers: Orphanet 550, MedGen C0162671, MONDO:0010789, OMIM 540000.

Submission:

Wong Mito Lab, Molecular and Human Genetics, Baylor College of Medicine
Classification: Uncertain significance for MELAS syndrome. Last evaluated: 2019-07-12. Review status: criteria provided, single submitter. Criteria: Modified ACMG Guidelines (Unpublished). Collection method: clinical testing. Allele origin: germline.
Comment: The NC_012920.1:m.12150T>C variant in MT-TH gene is interpreted to be a Unknown Significance variant based on the modified ACMG guidelines (unpublished). This variant meets the following evidence codes reported in the guidelines: PM7, PP6, PP7

Literature cited by the submitters: PubMed 31965079.

NC_012920.1(MT-TH):m.12150T>C

Gene: MT-TH (mitochondrially encoded tRNA histidine; plus strand).
Variant type: single nucleotide variant.
Genome position: chrM-12150-T-C.
Identifiers: ClinVar variation 690134 (VCV000690134.1), dbSNP rs1603223574, ClinGen allele CA913169503.
Genomic context (GRCh38, chrMT:12,150, plus strand): 5'-TTCTCCTCCTATCCCTCAACCCCGACATCATTACCGGGTTTTCCTCTTGTAAATATAGTT[T>C]AACCAAAACATCAGATTGTGAATCTGACAACAGAGGCTTACGACCCCTTATTTACCGAGA-3'